The following is an entry in ClinVar:

NM_001374736.1(DST):c.3180A>T (p.Glu1060Asp)

Gene: DST (dystonin; minus strand). Cytogenetic location: 6p12.1.
Variant type: single nucleotide variant.
Coding change: c.3180A>T on transcript NM_001374736.1 (MANE Select); coding-DNA position 3180, A replaced by T.
Protein change: p.Glu1060Asp; replaces glutamic acid 1060 with aspartic acid.
Molecular consequence: missense variant.
Genome position (GRCh38, 1-based): chr6:56,635,595, T>A on the plus strand (A>T on the coding strand, the complement: DST is on the minus strand). VCF-style: chr6-56635595-T-A. GRCh37 (hg19) VCF-style: chr6-56500393-T-A.
Other names: c.3081A>T, p.Glu1027Asp (NM_001144769.5); c.2667A>T, p.Glu889Asp (NM_001144770.2); c.3180A>T, p.Glu1060Asp (NM_001374722.1); c.2547A>T, p.Glu849Asp (NM_001374729.1, NM_001374730.1, NM_001386100.1 and 1 more transcripts); c.3207A>T, p.Glu1069Asp (NM_001374734.1); c.1569A>T, p.Glu523Asp (NM_001723.7, NM_015548.5); short protein forms E889D, E849D, E1027D, E523D, E1060D, E1069D.
Identifiers: ClinVar variation 664202 (VCV000664202.10), dbSNP rs1587362814, ClinGen allele CA364576549.
Genomic context (GRCh38, chr6:56,635,595, plus strand): 5'-ACTAATCTAATCACTTATGCATACTTATAAAATGCATAGGTTTTGTATTAGTACCATTGA[T>A]TCCTGAACAAGGTCTTCTAGCTTGTGAATGCTGCTTGATCTATCACAGCTGTACTTCCGC-3'
Protein context (NP_001361665.1, residues 1050-1070): SIHKLEDLVQ[Glu1060Asp]SMEEKEELLQ

ClinVar aggregate classification (germline): Uncertain significance. Review status: criteria provided, multiple submitters, no conflicts (2 of 4 stars). 2 submissions from 2 submitters: Uncertain significance (2). Last evaluated 2026-04-07.

Conditions:
Hereditary sensory and autonomic neuropathy type 6. Also called: HSAN VI; Neuropathy, hereditary sensory and autonomic, type VI. Identifiers: Orphanet 314381, MedGen C3539003, MONDO:0013839, OMIM 614653.
Epidermolysis bullosa simplex 3, localized or generalized intermediate, with BP230 deficiency (EBS3). Also called: Epidermolysis bullosa simplex due to BP230 deficiency; Epidermolysis bullosa simplex, autosomal recessive 2. Identifiers: Orphanet 412181, MedGen C3809470, MONDO:0014180, OMIM 615425.

Allele frequency attached by ClinVar (database versions not stated): gnomAD exomes below 0.00001; TOPMed 0.00001.
gnomAD v4.1: 1 of 1,614,000 alleles (0.000062%); highest among the groups gnomAD compares: Admixed American, 0.0017%; no homozygotes.

Submissions (2):

Women's Health and Genetics/Laboratory Corporation of America, LabCorp
Classification: Uncertain significance. Last evaluated: 2026-04-07. Review status: criteria provided, single submitter. Criteria: LabCorp Variant Classification Summary - May 2015. Collection method: clinical testing. Allele origin: germline.
Comment: Variant summary: DST c.1569A>T (p.Glu523Asp) results in a conservative amino acid change in the encoded protein sequence. Algorithms developed to predict the effect of missense changes on protein structure and function are either unavailable or do not agree on the potential impact of this missense change. The variant was absent in 250964 control chromosomes. The available data on variant occurrences in the general population are insufficient to allow any conclusion about variant significance. To our knowledge, no occurrence of c.1569A>T in individuals affected with DST-related conditions and no experimental evidence demonstrating its impact on protein function have been reported. ClinVar contains an entry for this variant (Variation ID: 664202). Based on the evidence outlined above, the variant was classified as uncertain significance.

Labcorp Genetics (formerly Invitae), Labcorp
Classification: Uncertain significance for Epidermolysis bullosa simplex 3, localized or generalized intermediate, with BP230 deficiency; Hereditary sensory and autonomic neuropathy type 6. Last evaluated: 2018-10-30. Review status: criteria provided, single submitter. Criteria: Invitae Variant Classification Sherloc (09022015). Collection method: clinical testing. Allele origin: germline.
Comment: In summary, the available evidence is currently insufficient to determine the role of this variant in disease. Therefore, it has been classified as a Variant of Uncertain Significance. Algorithms developed to predict the effect of missense changes on protein structure and function (SIFT, PolyPhen-2, Align-GVGD) all suggest that this variant is likely to be disruptive, but these predictions have not been confirmed by published functional studies and their clinical significance is uncertain. This variant has not been reported in the literature in individuals with DST-related disease. This variant is not present in population databases (ExAC no frequency). This sequence change replaces glutamic acid with aspartic acid at codon 523 of the DST protein (p.Glu523Asp). The glutamic acid residue is highly conserved and there is a small physicochemical difference between glutamic acid and aspartic acid.